The following is an entry in ClinVar:

NM_020117.11(LARS1):c.1442G>T (p.Gly481Val)

Gene: LARS1 (leucyl-tRNA synthetase 1; minus strand). Cytogenetic location: 5q32.
Variant type: single nucleotide variant.
Coding change: c.1442G>T on transcript NM_020117.11 (MANE Select); coding-DNA position 1442, G replaced by T.
Protein change: p.Gly481Val; replaces glycine 481 with valine.
Molecular consequence: missense variant.
Genome position (GRCh38, 1-based): chr5:146,149,683, C>A on the plus strand (G>T on the coding strand, the complement: LARS1 is on the minus strand). VCF-style: chr5-146149683-C-A. GRCh37 (hg19) VCF-style: chr5-145529246-C-A.
Other names: c.1304G>T, p.Gly435Val (NM_001317964.2); c.1280G>T, p.Gly427Val (NM_001317965.2); c.1361G>T, p.Gly454Val (NM_016460.4); short protein forms G427V, G435V, G454V, G481V.
Identifiers: ClinVar variation 1902429 (VCV001902429.5), dbSNP rs192961740, ClinGen allele CA3489615.

ClinVar aggregate classification (germline): Uncertain significance (1 of 4 stars; one submission).

Allele frequency attached by ClinVar (database versions not stated): gnomAD exomes below 0.00001; gnomAD 0.00001; TOPMed 0.00001; ExAC 0.00002; 1000 Genomes Project 0.00020; 1000 Genomes Project 30x 0.00031.
gnomAD v4.1: 2 of 1,611,300 alleles (0.00012%); highest among the groups gnomAD compares: Admixed American, 0.0033%; no homozygotes.

Submission:

Labcorp Genetics (formerly Invitae), Labcorp
Classification: Uncertain significance. Last evaluated: 2022-10-17. Review status: criteria provided, single submitter. Criteria: Invitae Variant Classification Sherloc (09022015). Collection method: clinical testing. Allele origin: germline.
Comment: This variant has not been reported in the literature in individuals affected with LARS-related conditions. This variant is present in population databases (rs192961740, gnomAD 0.006%). This sequence change replaces glycine, which is neutral and non-polar, with valine, which is neutral and non-polar, at codon 481 of the LARS protein (p.Gly481Val). Advanced modeling of protein sequence and biophysical properties (such as structural, functional, and spatial information, amino acid conservation, physicochemical variation, residue mobility, and thermodynamic stability) performed at Invitae indicates that this missense variant is not expected to disrupt LARS protein function. In summary, the available evidence is currently insufficient to determine the role of this variant in disease. Therefore, it has been classified as a Variant of Uncertain Significance.